The following is an entry in ClinVar:

NM_201596.3(CACNB2):c.1670C>T (p.Ser557Leu)

Gene: CACNB2 (calcium voltage-gated channel auxiliary subunit beta 2; plus strand). Cytogenetic location: 10p12.31.
Variant type: single nucleotide variant.
Coding change: c.1670C>T on transcript NM_201596.3 (MANE Select); coding-DNA position 1670, C replaced by T.
Protein change: p.Ser557Leu; replaces serine 557 with leucine.
Molecular consequence: missense variant.
Genome position (GRCh38, 1-based): chr10:18,539,411, C>T. VCF-style: chr10-18539411-C-T. GRCh37 (hg19) VCF-style: chr10-18828340-C-T.
Other names: p.S502L:TCG>TTG; c.1505C>T, p.Ser502Leu (NM_000724.4); c.1472C>T, p.Ser491Leu (NM_001167945.2); c.1391C>T, p.Ser464Leu (NM_001330060.2); c.1526C>T, p.Ser509Leu (NM_201570.3); c.1586C>T, p.Ser529Leu (NM_201571.4); c.1514C>T, p.Ser505Leu (NM_201572.4); c.1508C>T, p.Ser503Leu (NM_201590.3); and 2 more; short protein forms S502L, S503L, S557L, S519L, S464L, S491L, S505L, S529L.
Identifiers: ClinVar variation 190730 (VCV000190730.32), dbSNP rs137886839, ClinGen allele CA301867.

ClinVar aggregate classification (germline): Benign/Likely benign. Review status: criteria provided, multiple submitters, no conflicts (2 of 4 stars). 11 submissions from 11 submitters: Benign (5); Likely benign (5). 1 of the submissions does not count toward it. Last evaluated 2026-01-19.

Conditions:
CACNB2-related disorder. Also called: CACNB2-related condition.
Cardiovascular phenotype. Identifiers: MedGen CN230736.
Cardiomyopathy (CMYO). Also called: Cardiomyopathies. Identifiers: Orphanet 167848, MedGen C0878544, MONDO:0004994, HP:0001638. Inheritance: Various modes of inheritance.
Brugada syndrome 4 (BRGDA4). Identifiers: Orphanet 130, MedGen C2678477, MONDO:0012743, OMIM 611876.

Allele frequency attached by ClinVar (database versions not stated): TOPMed 0.00078; 1000 Genomes Project 30x 0.00109; 1000 Genomes Project 0.00140.
gnomAD v4.1: 1,060 of 1,614,018 alleles (0.066%); highest among the groups gnomAD compares: East Asian, 1.4%; 5 homozygotes.

Submissions (11):

Labcorp Genetics (formerly Invitae), Labcorp
Classification: Benign for Brugada syndrome 4. Last evaluated: 2026-01-19. Review status: criteria provided, single submitter. Criteria: Invitae Variant Classification Sherloc (09022015). Collection method: clinical testing. Allele origin: germline.

Women's Health and Genetics/Laboratory Corporation of America, LabCorp
Classification: Likely benign. Last evaluated: 2025-04-17. Review status: criteria provided, single submitter. Criteria: LabCorp Variant Classification Summary - May 2015. Collection method: clinical testing. Allele origin: germline.

PreventionGenetics, part of Exact Sciences
Classification: Benign for CACNB2-related condition. Last evaluated: 2025-03-13. Review status: criteria provided, single submitter. Criteria: ACMG Guidelines, 2015. Collection method: clinical testing. Allele origin: germline.
Comment: This variant is classified as benign based on ACMG/AMP sequence variant interpretation guidelines (Richards et al. 2015 PMID: 25741868, with internal and published modifications).

Blueprint Genetics
Classification: Likely benign. Last evaluated: 2024-11-13. Review status: criteria provided, single submitter. Criteria: ACMG Guidelines, 2015. Collection method: clinical testing. Allele origin: germline.

Fulgent Genetics
Classification: Likely benign for Brugada syndrome 4. Last evaluated: 2021-09-30. Review status: criteria provided, single submitter. Criteria: ACMG Guidelines, 2015. Collection method: clinical testing. Allele origin: unknown.

GeneDx
Classification: Benign. Last evaluated: 2019-11-14. Review status: criteria provided, single submitter. Criteria: GeneDx Variant Classification Process June 2021. Collection method: clinical testing. Allele origin: germline. Affected: yes.
Comment: This variant is associated with the following publications: (PMID: 28469501, 28614222)

ARUP Laboratories, Molecular Genetics and Genomics, ARUP Laboratories
Classification: Likely benign for Brugada syndrome 4. Last evaluated: 2018-07-24. Review status: criteria provided, single submitter. Criteria: ARUP Molecular Germline Variant Investigation Process. Collection method: clinical testing. Allele origin: germline.

Center for Advanced Laboratory Medicine, UC San Diego Health, University of California San Diego
Classification: Likely benign for Cardiomyopathy. Last evaluated: 2018-02-11. Review status: criteria provided, single submitter. Criteria: ACMG Guidelines, 2015. Collection method: clinical testing. Allele origin: germline. Affected: yes. Observed: 1 variant allele.

Genome Diagnostics Laboratory, University Medical Center Utrecht
Classification: Benign for Brugada syndrome 4. Last evaluated: 2017-10-13. Review status: criteria provided, single submitter. Criteria: ACGS Guidelines, 2013. Collection method: clinical testing. Allele origin: germline. Affected: yes. Study: VKGL Data-share Consensus.

Ambry Genetics
Classification: Benign for Cardiovascular phenotype. Last evaluated: 2016-08-03. Review status: criteria provided, single submitter. Criteria: Ambry Variant Classification Scheme 2023. Collection method: clinical testing. Allele origin: germline.

Clinical Genetics, Academic Medical Center
Classification: Likely benign. Review status: no assertion criteria provided. Collection method: clinical testing. Allele origin: germline. Affected: yes. Study: VKGL Data-share Consensus. Not counted in ClinVar's aggregate classification.